The following is an entry in ClinVar:

ClinVar aggregate classification (germline): Uncertain significance. Review status: criteria provided, multiple submitters, no conflicts (2 of 4 stars). 2 submissions from 2 submitters: Uncertain significance (2). Last evaluated 2024-10-28.

Conditions:
Intellectual developmental disorder, autosomal dominant 6, with or without seizures. Also called: GRIN2B-related developmental delay, intellectual disability and autism spectrum disorder; Intellectual disability, autosomal dominant 6. Identifiers: Orphanet 589547, MedGen C3151411, MONDO:0013509, OMIM 613970.
Developmental and epileptic encephalopathy, 27 (DEE27). Also called: GRIN2B-Related Neurodevelopmental Disorder; Epileptic encephalopathy, early infantile, 27. Identifiers: Orphanet 3451, MedGen C4015316, MONDO:0014505, OMIM 616139.

Allele frequency attached by ClinVar (database versions not stated): gnomAD exomes below 0.00001; TOPMed below 0.00001.
gnomAD v4.1: 6 of 1,613,930 alleles (0.00037%); highest among the groups gnomAD compares: South Asian, 0.0022%; no homozygotes.

Submissions (2):

Labcorp Genetics (formerly Invitae), Labcorp
Classification: Uncertain significance for Developmental and epileptic encephalopathy, 27; Intellectual developmental disorder, autosomal dominant 6, with or without seizures. Last evaluated: 2024-10-28. Review status: criteria provided, single submitter. Criteria: Invitae Variant Classification Sherloc (09022015). Collection method: clinical testing. Allele origin: germline.
Comment: This sequence change replaces arginine, which is basic and polar, with glutamine, which is neutral and polar, at codon 67 of the GRIN2B protein (p.Arg67Gln). This variant is not present in population databases (gnomAD no frequency). This variant has not been reported in the literature in individuals affected with GRIN2B-related conditions. ClinVar contains an entry for this variant (Variation ID: 2432296). Invitae Evidence Modeling of protein sequence and biophysical properties (such as structural, functional, and spatial information, amino acid conservation, physicochemical variation, residue mobility, and thermodynamic stability) indicates that this missense variant is not expected to disrupt GRIN2B protein function with a negative predictive value of 95%. In summary, the available evidence is currently insufficient to determine the role of this variant in disease. Therefore, it has been classified as a Variant of Uncertain Significance.

Revvity Omics, Revvity
Classification: Uncertain significance. Last evaluated: 2021-03-08. Review status: criteria provided, single submitter. Criteria: ACMG Guidelines, 2015. Collection method: clinical testing. Allele origin: germline.

NM_000834.5(GRIN2B):c.200G>A (p.Arg67Gln)

Gene: GRIN2B (glutamate ionotropic receptor NMDA type subunit 2B; minus strand). Cytogenetic location: 12p13.1.
Variant type: single nucleotide variant.
Coding change: c.200G>A on transcript NM_000834.5 (MANE Select); coding-DNA position 200, G replaced by A.
Protein change: p.Arg67Gln; replaces arginine 67 with glutamine.
Molecular consequence: missense variant.
Genome position (GRCh38, 1-based): chr12:13,866,009, C>T on the plus strand (G>A on the coding strand, the complement: GRIN2B is on the minus strand). VCF-style: chr12-13866009-C-T. GRCh37 (hg19) VCF-style: chr12-14018943-C-T.
Other names: c.200G>A, p.Arg67Gln (NM_001413992.1, NM_001413993.1, NM_001413994.1 and 1 more transcripts); short protein forms R67Q.
Identifiers: ClinVar variation 2432296 (VCV002432296.5), dbSNP rs759714224, ClinGen allele CA233148009.